The following is an entry in ClinVar:

ClinVar aggregate classification (germline): Likely pathogenic (3 of 4 stars; one submission).

Conditions:
Monogenic diabetes. Identifiers: Orphanet 183625, MedGen C3888631, MONDO:0015967.

Allele frequency attached by ClinVar (database versions not stated): TOPMed below 0.00001.
gnomAD v4.1: 3 of 1,613,362 alleles (0.00019%); highest among the groups gnomAD compares: Non-Finnish European, 0.00025%; no homozygotes.

Submission:

ClinGen Monogenic Diabetes Variant Curation Expert Panel
Classification: Likely pathogenic for Monogenic diabetes. Last evaluated: 2025-07-24. Review status: reviewed by expert panel. Criteria: ClinGen Diabetes ACMG Specifications HNF1A V3.0.0. Collection method: curation. Allele origin: germline. Inheritance: Autosomal dominant inheritance.
Comment: The c.98C>T variant in the HNF1 homeobox A gene, HNF1A, causes an amino acid change of proline to leucine at codon 33(p.(Pro33Leu)) of NM_000545.8. This variant was identified in at least one individual with a clinical history highly specific for HNF1A-MODY (MODY probability calculator result >50%,, and response to sulfonylurea) (PP4; internal lab contributors). This variant has a gnomAD v4.1.0 Grpmax filtering allele frequency of 6.80e-7, which is below the ClinGen MDEP threshold for PM2_Supporting (≤ 0.000003). Additionally, this variant was identified in eight unrelated individuals with non- autoimmune and non-absolute/near-absolute insulin-deficient diabetes (PS4; PMID 32238361, internal lab contributors). This variant has a REVEL score of 0.537, which is between the ClinGen MDEP thresholds for BP4 and PP3, predicting neither a damaging nor benign impact on HNF1A function. In summary, c.98C>T meets the criteria to be classified as likely pathogenic for monogenic diabetes. ACMG/AMP criteria applied, as specified by the ClinGen MDEP (specification version 3.0.0, approved 6/30/2025): PM2_Supporting, PS4, PP4.

Literature cited by the submitters: PubMed 32238361.

NM_000545.8(HNF1A):c.98C>T (p.Pro33Leu)

Gene: HNF1A (HNF1 homeobox A; plus strand). Cytogenetic location: 12q24.31.
Variant type: single nucleotide variant.
Coding change: c.98C>T on transcript NM_000545.8 (MANE Select); coding-DNA position 98, C replaced by T.
Protein change: p.Pro33Leu; replaces proline 33 with leucine.
Molecular consequence: missense variant.
Genome position (GRCh38, 1-based): chr12:120,978,866, C>T. VCF-style: chr12-120978866-C-T. GRCh37 (hg19) VCF-style: chr12-121416669-C-T.
Other names: NM_001306179.2:c.98C>T; NM_000545.8(HNF1A):c.98C>T; p.Pro33Leu; c.98C>T, p.Pro33Leu (NM_001306179.2); short protein forms P33L.
Identifiers: ClinVar variation 1676707 (VCV001676707.4), dbSNP rs1001854457, ClinGen allele CA244520729.
Genomic context (GRCh38, chr12:120,978,866, plus strand): 5'-TGGCGGCCCTGCTCGAGTCAGGGCTGAGCAAAGAGGCACTGATCCAGGCACTGGGTGAGC[C>T]GGGGCCCTACCTCCTGGCTGGAGAAGGCCCCCTGGACAAGGGGGAGTCCTGCGGCGGCGG-3'
Protein context (NP_000536.6, residues 23-43): KEALIQALGE[Pro33Leu]GPYLLAGEGP